The following is an entry in ClinVar:

ClinVar aggregate classification (germline): Uncertain significance. Review status: criteria provided, multiple submitters, no conflicts (2 of 4 stars). 13 submissions from 13 submitters: Uncertain significance (11). 2 of the submissions do not count toward it. Last evaluated 2025-11-09.

Conditions:
Cardiovascular phenotype. Identifiers: MedGen CN230736.
Cardiomyopathy (CMYO). Also called: Cardiomyopathies. Identifiers: Orphanet 167848, MedGen C0878544, MONDO:0004994, HP:0001638. Inheritance: Various modes of inheritance.
Hypertrophic cardiomyopathy. Also called: HYPERTROPHIC MYOCARDIOPATHY. Identifiers: Orphanet 217569, MedGen C0007194, MeSH D002312, MONDO:0005045, HP:0001639.

Allele frequency attached by ClinVar (database versions not stated): ExAC 0.00001; gnomAD exomes 0.00001; TOPMed 0.00001; gnomAD 0.00003 and 0.00004.
gnomAD v4.1: 45 of 1,614,038 alleles (0.0028%); highest among the groups gnomAD compares: Non-Finnish European, 0.0036%; no homozygotes.

Submissions (13):

Labcorp Genetics (formerly Invitae), Labcorp
Classification: Uncertain significance for Hypertrophic cardiomyopathy. Last evaluated: 2025-11-09. Review status: criteria provided, single submitter. Criteria: Invitae Variant Classification Sherloc (09022015). Collection method: clinical testing. Allele origin: germline.
Comment: This sequence change replaces aspartic acid, which is acidic and polar, with asparagine, which is neutral and polar, at codon 469 of the MYH7 protein (p.Asp469Asn). This variant is present in population databases (rs397516106, gnomAD 0.004%). This missense change has been observed in individual(s) with hypertrophic cardiomyopathy (PMID: 22464770, 27247418, 27532257, 33495596, 33495597, 37652022). ClinVar contains an entry for this variant (Variation ID: 177921). An algorithm developed to predict the effect of missense changes on protein structure and function (PolyPhen-2) suggests that this variant is likely to be disruptive. In summary, the available evidence is currently insufficient to determine the role of this variant in disease. Therefore, it has been classified as a Variant of Uncertain Significance.

Laboratory of Genetics, Children's Clinical University Hospital Latvia
Classification: Uncertain significance. Last evaluated: 2025-02-16. Review status: criteria provided, single submitter. Criteria: ACMG Guidelines, 2015. Collection method: clinical testing. Allele origin: germline. Affected: yes.

Ambry Genetics
Classification: Uncertain significance for Cardiovascular phenotype. Last evaluated: 2024-08-08. Review status: criteria provided, single submitter. Criteria: Ambry Variant Classification Scheme 2023. Collection method: clinical testing. Allele origin: germline.
Comment: The p.D469N variant (also known as c.1405G>A), located in coding exon 12 of the MYH7 gene, results from a G to A substitution at nucleotide position 1405. The aspartic acid at codon 469 is replaced by asparagine, an amino acid with highly similar properties. This alteration is located in the myosin head domain, which contains a statistically significant clustering of pathogenic missense variants (Homburger JR et al. Proc Natl Acad Sci U S A, 2016 06;113:6701-6; Walsh R et al. Genet Med, 2017 02;19:192-203; Ambry internal data). This variant has been detected in hypertrophic and/or dilated cardiomyopathy cohorts; however, details were limited and some reported cases may overlap (Homburger JR et al. Proc Natl Acad Sci U S A, 2016 06;113:6701-6; Walsh R et al. Genet Med, 2017 02;19:192-203; Puckelwartz MJ et al. J Am Heart Assoc, 2021 Apr;10:e019944). This amino acid position is highly conserved in available vertebrate species. In addition, this alteration is predicted to be tolerated by in silico analysis. Since supporting evidence is limited at this time, the clinical significance of this alteration remains unclear.

Color Diagnostics, LLC DBA Color Health
Classification: Uncertain significance for Cardiomyopathy. Last evaluated: 2024-02-08. Review status: criteria provided, single submitter. Criteria: ACMG Guidelines, 2015. Collection method: clinical testing. Allele origin: germline.
Comment: This missense variant replaces aspartic acid with asparagine at codon 469 of the MYH7 protein. Computational prediction tools indicate that this variant's impact on protein structure and function is inconclusive. This variant is found within a highly conserved region of the myosin head domain. Missense variants in this region have been shown to be significantly overrepresented in individuals with affected with hypertrophic cardiomyopathy (PMID: 27532257). To our knowledge, functional studies have not been reported for this variant. This variant has been reported in at least three individuals affected with hypertrophic cardiomyopathy (PMID: 27247418, 27532257, 33495596, 33495597), and in one individual affected with an unspecified cardiomyopathy (PMID: 33764162). This variant has been identified in 4/282848 chromosomes in the general population by the Genome Aggregation Database (gnomAD). The available evidence is insufficient to determine the role of this variant in disease conclusively. Therefore, this variant is classified as a Variant of Uncertain Significance.

Blueprint Genetics
Classification: Uncertain significance. Last evaluated: 2024-01-04. Review status: criteria provided, single submitter. Criteria: ACMG Guidelines, 2015. Collection method: clinical testing. Allele origin: germline.

All of Us Research Program, National Institutes of Health
Classification: Uncertain significance for Cardiomyopathy. Last evaluated: 2023-12-01. Review status: criteria provided, single submitter. Criteria: ACMG Guidelines, 2015. Collection method: clinical testing. Allele origin: germline. Inheritance: Autosomal dominant inheritance. Observed: 2 variant alleles, 2 heterozygotes.
Comment: This missense variant replaces aspartic acid with asparagine at codon 469 of the MYH7 protein. Computational prediction tools indicate that this variant's impact on protein structure and function is inconclusive. This variant is found within a highly conserved region of the myosin head domain. Missense variants in this region have been shown to be significantly overrepresented in individuals with affected with hypertrophic cardiomyopathy (PMID: 27532257). To our knowledge, functional studies have not been reported for this variant. This variant has been reported in at least three individuals affected with hypertrophic cardiomyopathy (PMID: 27247418, 27532257, 33495596, 33495597), and in one individual affected with an unspecified cardiomyopathy (PMID: 33764162). This variant has been identified in 4/282848 chromosomes in the general population by the Genome Aggregation Database (gnomAD). The available evidence is insufficient to determine the role of this variant in disease conclusively. Therefore, this variant is classified as a Variant of Uncertain Significance.

This study involves interpretation of variants in research participants for the purpose of population health screening. Participant phenotype was not available at the time of variant classification. Additional details can be found in publication PMID: 35346344, PMCID: PMC8962531

Revvity Omics, Revvity
Classification: Uncertain significance. Last evaluated: 2023-10-17. Review status: criteria provided, single submitter. Criteria: ACMG Guidelines, 2015. Collection method: clinical testing. Allele origin: germline.

GeneDx
Classification: Uncertain significance. Last evaluated: 2022-05-19. Review status: criteria provided, single submitter. Criteria: GeneDx Variant Classification Process June 2021. Collection method: clinical testing. Allele origin: germline. Affected: yes.
Comment: Reported in association with HCM in the published literature (Homburger et al., 2016; Walsh et al., 2017); Identified in individuals referred for HCM genetic testing at GeneDx; however, most probands harbored additional cardiogenetic variants, and segregation data is limited at this time; Not observed at a significant frequency in large population cohorts (gnomAD); In silico analysis supports that this missense variant has a deleterious effect on protein structure/function; This variant is associated with the following publications: (PMID: 27247418, 27532257, 29300372)

CHEO Genetics Diagnostic Laboratory, Children's Hospital of Eastern Ontario
Classification: Uncertain significance for Cardiomyopathy. Last evaluated: 2021-03-08. Review status: criteria provided, single submitter. Criteria: ACMG Guidelines, 2015. Collection method: clinical testing. Allele origin: germline.

Laboratory for Molecular Medicine, Mass General Brigham Personalized Medicine
Classification: Uncertain significance. Last evaluated: 2020-08-18. Review status: criteria provided, single submitter. Criteria: LMM Criteria. Collection method: clinical testing. Allele origin: germline. Observed: 2 variant alleles.
Comment: Variant classified as Uncertain Significance - Favor Pathogenic. The p.Asp469Asn variant in MYH7 has been previously reported in at least 4 individuals with HCM, as well as 4 individuals referred for HCM testing with limited clinical information, 2 of whom harbored pathogenic variants in other cardiomyopathy genes (Homburger 2016 PMID 27247418, Walsh 2017 PMID 27532257, LMM data, ClinVar Variation ID 177921, Invitae and GeneDx pers. comm.). It has also been identified in 0.002% (3/129156) of European chromosomes by gnomAD. Computational prediction tools and conservation analysis suggest that this variant may impact the protein, though this information is not predictive enough to determine pathogenicity. Furthermore, this variant lies in the head region of the protein and missense variants in this region are statistically more likely to be disease-associated (Walsh 2016 PMID 27532257). In summary, while there is some suspicion for a pathogenic role, the clinical significance of this variant is uncertain. ACMG/AMP Criteria applied: PS4_Supporting, PM1, PP3.

Stanford Center for Inherited Cardiovascular Disease, Stanford University
Classification: Uncertain significance. Last evaluated: 2012-03-05. Review status: criteria provided, single submitter. Criteria: ACMG Guidelines, 2015. Collection method: provider interpretation. Allele origin: germline.

Clinical Genetics DNA and cytogenetics Diagnostics Lab, Erasmus MC, Erasmus Medical Center
Classification: Likely pathogenic. Review status: no assertion criteria provided. Collection method: clinical testing. Allele origin: germline. Affected: yes. Study: VKGL Data-share Consensus. Not counted in ClinVar's aggregate classification.

Genome Diagnostics Laboratory, University Medical Center Utrecht
Classification: Likely pathogenic. Review status: no assertion criteria provided. Collection method: clinical testing. Allele origin: germline. Affected: yes. Study: VKGL Data-share Consensus. Not counted in ClinVar's aggregate classification.

Literature cited by the submitters: PubMed 22464770 (cited by Labcorp Genetics (formerly Invitae), Labcorp); PubMed 27247418 (cited by 5 submitters); PubMed 27532257 (cited by 5 submitters); PubMed 33495596 (cited by 3 submitters); PubMed 33495597 (cited by 3 submitters); PubMed 37652022 (cited by Labcorp Genetics (formerly Invitae), Labcorp); PubMed 30297972 (cited by Ambry Genetics); PubMed 33764162 (cited by 3 submitters); PubMed 35653365 (cited by Ambry Genetics).

NM_000257.4(MYH7):c.1405G>A (p.Asp469Asn)

Gene: MYH7 (myosin heavy chain 7; minus strand). Cytogenetic location: 14q11.2.
Variant type: single nucleotide variant.
Coding change: c.1405G>A on transcript NM_000257.4 (MANE Select); coding-DNA position 1405, G replaced by A.
Protein change: p.Asp469Asn; replaces aspartic acid 469 with asparagine.
Molecular consequence: missense variant.
Genome position (GRCh38, 1-based): chr14:23,428,957, C>T on the plus strand (G>A on the coding strand, the complement: MYH7 is on the minus strand). VCF-style: chr14-23428957-C-T. GRCh37 (hg19) VCF-style: chr14-23898166-C-T.
Other names: short protein forms D469N.
Identifiers: ClinVar variation 177921 (VCV000177921.30), dbSNP rs397516106, ClinGen allele CA010701.